The following is an entry in ClinVar:

NM_181426.2(CCDC39):c.1176T>C (p.Asp392=)

Gene: CCDC39 (coiled-coil domain 39 molecular ruler complex subunit; minus strand). Cytogenetic location: 3q26.33.
Variant type: single nucleotide variant.
Coding change: c.1176T>C on transcript NM_181426.2 (MANE Select); coding-DNA position 1176, T replaced by C.
Protein change: p.Asp392=; no amino-acid change (aspartic acid 392 retained).
Molecular consequence: synonymous variant.
Genome position (GRCh38, 1-based): chr3:180,648,351, A>G on the plus strand (T>C on the coding strand, the complement: CCDC39 is on the minus strand). VCF-style: chr3-180648351-A-G. GRCh37 (hg19) VCF-style: chr3-180366139-A-G.
Identifiers: ClinVar variation 697611 (VCV000697611.19), dbSNP rs749497447, ClinGen allele CA2715993.
Genomic context (GRCh38, chr3:180,648,351, plus strand): 5'-CTCAGTCTGTAACTCCTGAGCTTTCTTAAACAGCACACCTTTTATGAGGTTCAGTTGAAC[A>G]TCTACTTCCTGATAATGAGAATTATAGTGATTAATGGAATTAAATATATTGAAATGTTGT-3'
Protein context (NP_852091.1, residues 382-402): KEEEKDVKEV[Asp392=]VQLNLIKGVL

ClinVar aggregate classification (germline): Conflicting classifications of pathogenicity. Review status: criteria provided, conflicting classifications (1 of 4 stars). 6 submissions from 6 submitters: Uncertain significance (1); Likely benign (5). Last evaluated 2026-08-01.

Conditions:
CCDC39-related disorder. Also called: CCDC39-related condition.
Primary ciliary dyskinesia. Also called: Ciliary dyskinesia. Identifiers: Orphanet 244, MedGen C0008780, MONDO:0016575, HP:0012265.
Primary ciliary dyskinesia 14. Also called: CILIARY DYSKINESIA, PRIMARY, 14, WITH OR WITHOUT SITUS INVERSUS. Identifiers: Orphanet 244, MedGen C3151136, MONDO:0013434, OMIM 613807.

Allele frequency attached by ClinVar (database versions not stated): gnomAD exomes 0.00001 and 0.00013; ExAC 0.00002; TOPMed 0.00006; gnomAD 0.00007; 1000 Genomes Project 30x 0.00016.
gnomAD v4.1: 194 of 1,549,284 alleles (0.013%); highest among the groups gnomAD compares: Non-Finnish European, 0.016%; no homozygotes.

Submissions (6):

CeGaT Center for Human Genetics Tuebingen
Classification: Likely benign. Last evaluated: 2026-08-01. Review status: criteria provided, single submitter. Criteria: CeGaT Center For Human Genetics Tuebingen Variant Classification Criteria Version 2. Collection method: clinical testing. Allele origin: germline. Affected: yes. Observed: 1 variant allele.
Comment: CCDC39: BP4, BP7

PreventionGenetics, part of Exact Sciences
Classification: Likely benign for CCDC39-related condition. Last evaluated: 2026-05-01. Review status: criteria provided, single submitter. Criteria: ACMG Guidelines, 2015. Collection method: clinical testing. Allele origin: germline.
Comment: This variant is classified as likely benign based on ACMG/AMP sequence variant interpretation guidelines (Richards et al. 2015 PMID: 25741868, with internal and published modifications).

Labcorp Genetics (formerly Invitae), Labcorp
Classification: Likely benign for Primary ciliary dyskinesia. Last evaluated: 2025-08-29. Review status: criteria provided, single submitter. Criteria: Invitae Variant Classification Sherloc (09022015). Collection method: clinical testing. Allele origin: germline.

Blueprint Genetics
Classification: Likely benign. Last evaluated: 2024-06-28. Review status: criteria provided, single submitter. Criteria: ACMG Guidelines, 2015. Collection method: clinical testing. Allele origin: germline.

Ambry Genetics
Classification: Likely benign for Primary ciliary dyskinesia. Last evaluated: 2023-05-22. Review status: criteria provided, single submitter. Criteria: Ambry Variant Classification Scheme 2023. Collection method: clinical testing. Allele origin: germline.

Illumina Laboratory Services, Illumina
Classification: Uncertain significance for Primary ciliary dyskinesia 14. Last evaluated: 2018-01-13. Review status: criteria provided, single submitter. Criteria: ICSL Variant Classification Criteria 13 December 2019. Collection method: clinical testing. Allele origin: germline.